The following is an entry in ClinVar:

NM_000548.5(TSC2):c.5251C>T (p.Arg1751Cys)

Gene: TSC2 (TSC complex subunit 2; plus strand). Cytogenetic location: 16p13.3.
Variant type: single nucleotide variant.
Coding change: c.5251C>T on transcript NM_000548.5 (MANE Select); coding-DNA position 5251, C replaced by T.
Protein change: p.Arg1751Cys; replaces arginine 1751 with cysteine.
Molecular consequence: missense variant.
Genome position (GRCh38, 1-based): chr16:2,088,317, C>T. VCF-style: chr16-2088317-C-T. GRCh37 (hg19) VCF-style: chr16-2138318-C-T.
Other names: c.5050C>T, p.Arg1684Cys (NM_001077183.3); c.5182C>T, p.Arg1728Cys (NM_001114382.3); c.4942C>T, p.Arg1648Cys (NM_001318827.2); c.4906C>T, p.Arg1636Cys (NM_001318829.2); c.4519C>T, p.Arg1507Cys (NM_001318831.2); c.5083C>T, p.Arg1695Cys (NM_001318832.2); c.5053C>T, p.Arg1685Cys (NM_001363528.2); c.5119C>T, p.Arg1707Cys (NM_001370404.1); and 3 more; short protein forms R1751C, R1636C, R1708C, R1507C, R1685C, R1707C, R1648C, R1684C.
Identifiers: ClinVar variation 406048 (VCV000406048.27), dbSNP rs781630603, ClinGen allele CA054573.

ClinVar aggregate classification (germline): Conflicting classifications of pathogenicity. Review status: criteria provided, conflicting classifications (1 of 4 stars). 8 submissions from 8 submitters: Uncertain significance (3); Likely benign (4). 1 of the submissions does not count toward it. Last evaluated 2026-01-20.

Conditions:
TSC2-related disorder. Also called: TSC2-Related Disorders; TSC2-related condition.
Hereditary cancer-predisposing syndrome. Also called: Tumor predisposition; Neoplastic Syndromes, Hereditary; Hereditary Cancer Syndrome; Hereditary neoplastic syndrome. Identifiers: Orphanet 140162, MedGen C0027672, MeSH D009386, MONDO:0015356.
Tuberous sclerosis syndrome (TSC). Also called: Tuberous Sclerosis Complex; Tuberous sclerosis. Identifiers: Orphanet 805, MedGen C0041341, MONDO:0001734.
Tuberous sclerosis 2 (TSC2). Identifiers: Orphanet 805, MedGen C1860707, MONDO:0013199, OMIM 613254.

Allele frequency attached by ClinVar (database versions not stated): gnomAD 0.00002; ExAC 0.00003; gnomAD exomes 0.00003; TOPMed 0.00003.

Submissions (8):

Labcorp Genetics (formerly Invitae), Labcorp
Classification: Likely benign for Tuberous sclerosis 2. Last evaluated: 2026-01-20. Review status: criteria provided, single submitter. Criteria: Invitae Variant Classification Sherloc (09022015). Collection method: clinical testing. Allele origin: germline.

All of Us Research Program, National Institutes of Health
Classification: Uncertain significance for Tuberous sclerosis syndrome. Last evaluated: 2023-12-18. Review status: criteria provided, single submitter. Criteria: ACMG Guidelines, 2015. Collection method: clinical testing. Allele origin: germline. Inheritance: Autosomal dominant inheritance. Observed: 5 variant alleles, 5 heterozygotes.
Comment: This missense variant replaces arginine with cysteine at codon 1751 of the TSC2 protein. Computational prediction suggests that this variant may have deleterious impact on protein structure and function (internally defined REVEL score threshold >= 0.7, PMID: 27666373). To our knowledge, functional studies have not been reported for this variant. This variant has not been reported in individuals affected with tuberous sclerosis complex in the literature. This variant has been identified in 8/249408 chromosomes in the general population by the Genome Aggregation Database (gnomAD). The available evidence is insufficient to determine the role of this variant in disease conclusively. Therefore, this variant is classified as a Variant of Uncertain Significance.

This study involves interpretation of variants in research participants for the purpose of population health screening. Participant phenotype was not available at the time of variant classification. Additional details can be found in publication PMID: 35346344, PMCID: PMC8962531

Color Diagnostics, LLC DBA Color Health
Classification: Uncertain significance for Tuberous sclerosis syndrome. Last evaluated: 2023-12-01. Review status: criteria provided, single submitter. Criteria: ACMG Guidelines, 2015. Collection method: clinical testing. Allele origin: germline.
Comment: This missense variant replaces arginine with cysteine at codon 1751 of the TSC2 protein. Computational prediction suggests that this variant may have deleterious impact on protein structure and function. To our knowledge, functional studies have not been reported for this variant. This variant has not been reported in individuals affected with tuberous sclerosis complex in the literature. This variant has been identified in 8/249408 chromosomes in the general population by the Genome Aggregation Database (gnomAD). The available evidence is insufficient to determine the role of this variant in disease conclusively. Therefore, this variant is classified as a Variant of Uncertain Significance.

Ambry Genetics
Classification: Likely benign for Hereditary cancer-predisposing syndrome. Last evaluated: 2023-01-17. Review status: criteria provided, single submitter. Criteria: Ambry Variant Classification Scheme 2023. Collection method: clinical testing. Allele origin: germline.

Genome-Nilou Lab
Classification: Likely benign for Tuberous sclerosis 2. Last evaluated: 2021-11-07. Review status: criteria provided, single submitter. Criteria: ACMG Guidelines, 2015. Collection method: clinical testing. Allele origin: germline. Affected: no.

Institute for Clinical Genetics, University Hospital TU Dresden, University Hospital TU Dresden
Classification: Uncertain significance. Last evaluated: 2021-11-03. Review status: criteria provided, single submitter. Criteria: ACMG Guidelines, 2015. Collection method: clinical testing. Allele origin: germline.

GeneDx
Classification: Likely benign. Last evaluated: 2021-02-18. Review status: criteria provided, single submitter. Criteria: GeneDx Variant Classification Process June 2021. Collection method: clinical testing. Allele origin: germline. Affected: yes.
Comment: In silico analysis, which includes protein predictors and evolutionary conservation, supports a deleterious effect; Missense variants in nearby residues reported in the Human Gene Mutation Database (Stenson et al., 2014); Has not been previously published as pathogenic or benign in association with a neurodevelopmental phenotype to our knowledge; This variant is associated with the following publications: (PMID: 29395620, 29167182, 24631838)

PreventionGenetics, part of Exact Sciences
Classification: Likely benign for TSC2-related condition. Last evaluated: 2023-12-19. Review status: no assertion criteria provided. Collection method: clinical testing. Allele origin: germline. Not counted in ClinVar's aggregate classification.
Comment: This variant is classified as likely benign based on ACMG/AMP sequence variant interpretation guidelines (Richards et al. 2015 PMID: 25741868, with internal and published modifications).

Literature cited by the submitters: PubMed 29167182 (cited by Ambry Genetics).